The following is an entry in ClinVar:

NM_000126.4(ETFA):c.505C>G (p.Arg169Gly)

Gene: ETFA (electron transfer flavoprotein subunit alpha; minus strand). Cytogenetic location: 15q24.2.
Variant type: single nucleotide variant.
Coding change: c.505C>G on transcript NM_000126.4 (MANE Select); coding-DNA position 505, C replaced by G.
Protein change: p.Arg169Gly; replaces arginine 169 with glycine.
Molecular consequence: missense variant.
Genome position (GRCh38, 1-based): chr15:76,286,428, G>C on the plus strand (C>G on the coding strand, the complement: ETFA is on the minus strand). VCF-style: chr15-76286428-G-C. GRCh37 (hg19) VCF-style: chr15-76578769-G-C.
Other names: c.358C>G, p.Arg120Gly (NM_001127716.2); short protein forms R120G, R169G.
Identifiers: ClinVar variation 5020946 (VCV005020946.1).
Genomic context (GRCh38, chr15:76,286,428, plus strand): 5'-CACCCTTTTCTGAACTGGCACTACCGCCACTTGTTGCTGCAGCATCAAAGGATGTTCCAC[G>C]GACAGAAAACACTTTCACTTTCTCATCACACTTCACTGTACATAGAGCATTTCCTGAAAC-3'
Protein context (NP_000117.1, residues 159-179): CDEKVKVFSV[Arg169Gly]GTSFDAAATS

ClinVar aggregate classification (germline): Uncertain significance (1 of 4 stars; one submission).

Submission:

Dasa
Classification: Uncertain significance. Last evaluated: 2025-05-30. Review status: criteria provided, single submitter. Criteria: DASA Assertion Criteria. Collection method: clinical testing. Allele origin: germline.
Comment: NM_000126.4(ETFA):c.505C>G (p.Arg169Gly) is a missense variant that results in the substitution of arginine with glycine. This variant is rare in population databases. Computational prediction algorithms are consistent with a deleterious effect. The currently available literature and clinical evidence are not sufficient to establish a definitive association between this variant and the reported condition. Therefore, this variant is classified as a variant of uncertain significance.